The following is an entry in ClinVar:

ClinVar aggregate classification (germline): Uncertain significance. Review status: criteria provided, multiple submitters, no conflicts (2 of 4 stars). 4 submissions from 4 submitters: Uncertain significance (2). 2 of the submissions do not count toward it. Last evaluated 2023-05-08.

Conditions:
Inborn genetic diseases. Identifiers: MedGen C0950123, MeSH D030342.
Prostate cancer. Also called: Malignant tumor of prostate. Identifiers: Orphanet 1331, MedGen C0376358, MONDO:0008315, HP:0012125.
Autosomal recessive polycystic kidney disease (ARPKD). Also called: AR polycystic kidney disease. Identifiers: Orphanet 731, Orphanet 8378, MedGen C0085548, MeSH D017044, MONDO:0009889.

Allele frequency attached by ClinVar (database versions not stated): TOPMed 0.00004; ESP Exome Variant Server 0.00008; gnomAD exomes 0.00008 and 0.00002; ExAC 0.00003; gnomAD 0.00003.
gnomAD v4.1: 116 of 1,605,888 alleles (0.0072%); highest among the groups gnomAD compares: Non-Finnish European, 0.0096%; no homozygotes.

Submissions (4):

Ambry Genetics
Classification: Uncertain significance for Inborn genetic diseases. Last evaluated: 2023-05-08. Review status: criteria provided, single submitter. Criteria: Ambry Variant Classification Scheme 2023. Collection method: clinical testing. Allele origin: germline.

Labcorp Genetics (formerly Invitae), Labcorp
Classification: Uncertain significance for Autosomal recessive polycystic kidney disease. Last evaluated: 2021-09-01. Review status: criteria provided, single submitter. Criteria: Invitae Variant Classification Sherloc (09022015). Collection method: clinical testing. Allele origin: germline.
Comment: This sequence change replaces alanine with threonine at codon 182 of the PKHD1 protein (p.Ala182Thr). The alanine residue is weakly conserved and there is a small physicochemical difference between alanine and threonine. This variant is present in population databases (rs142346881, ExAC 0.006%). This variant has not been reported in the literature in individuals affected with PKHD1-related conditions. ClinVar contains an entry for this variant (Variation ID: 161826). Algorithms developed to predict the effect of missense changes on protein structure and function are either unavailable or do not agree on the potential impact of this missense change (SIFT: "Tolerated"; PolyPhen-2: "Probably Damaging"; Align-GVGD: "Class C0"). In summary, the available evidence is currently insufficient to determine the role of this variant in disease. Therefore, it has been classified as a Variant of Uncertain Significance.

Natera, Inc.
Classification: Uncertain significance for Autosomal recessive polycystic kidney disease. Last evaluated: 2018-07-27. Review status: no assertion criteria provided. Collection method: clinical testing. Allele origin: germline. Not counted in ClinVar's aggregate classification.

Science for Life laboratory,  Karolinska Institutet
Classification: Uncertain significance for Malignant tumor of prostate. Review status: no assertion criteria provided. Collection method: not provided. Allele origin: somatic. Not counted in ClinVar's aggregate classification.
Comment: TumorID:SWE-5
ClinVar note: Converted during submission from Unknown to Uncertain significance.

NM_138694.4(PKHD1):c.544G>A (p.Ala182Thr)

Gene: PKHD1 (PKHD1 ciliary IPT domain containing fibrocystin/polyductin; minus strand). Cytogenetic location: 6p12.2.
Variant type: single nucleotide variant.
Coding change: c.544G>A on transcript NM_138694.4 (MANE Select); coding-DNA position 544, G replaced by A.
Protein change: p.Ala182Thr; replaces alanine 182 with threonine.
Molecular consequence: missense variant.
Genome position (GRCh38, 1-based): chr6:52,072,173, C>T on the plus strand (G>A on the coding strand, the complement: PKHD1 is on the minus strand). VCF-style: chr6-52072173-C-T. GRCh37 (hg19) VCF-style: chr6-51936971-C-T.
Other names: c.544G>A, p.Ala182Thr (NM_170724.3); short protein forms A182T.
Identifiers: ClinVar variation 161826 (VCV000161826.11), dbSNP rs142346881, ClinGen allele CA174858.